The following is an entry in ClinVar:

NM_006445.4(PRPF8):c.4509-3C>T

Gene: PRPF8 (pre-mRNA processing factor 8; minus strand). Cytogenetic location: 17p13.3.
Variant type: single nucleotide variant.
Coding change: c.4509-3C>T on transcript NM_006445.4 (MANE Select); 3 bases into the intron before coding-DNA position 4509, C replaced by T.
Molecular consequence: intron variant.
Genome position (GRCh38, 1-based): chr17:1,660,830, G>A on the plus strand (C>T on the coding strand, the complement: PRPF8 is on the minus strand). VCF-style: chr17-1660830-G-A. GRCh37 (hg19) VCF-style: chr17-1564124-G-A.
Identifiers: ClinVar variation 1402877 (VCV001402877.7), dbSNP rs535981694, ClinGen allele CA8271639.

ClinVar aggregate classification (germline): Uncertain significance (1 of 4 stars; one submission).

Allele frequency attached by ClinVar (database versions not stated): TOPMed below 0.00001; gnomAD 0.00001 and 0.00003; gnomAD exomes 0.00001 and 0.00006; ExAC 0.00007; 1000 Genomes Project 30x 0.00031; 1000 Genomes Project 0.00040.
gnomAD v4.1: 18 of 1,613,854 alleles (0.0011%); highest among the groups gnomAD compares: East Asian, 0.04%; 1 homozygote.

Submissions (2):

Labcorp Genetics (formerly Invitae), Labcorp
Classification: Uncertain significance. Last evaluated: 2024-04-03. Review status: criteria provided, single submitter. Criteria: Invitae Variant Classification Sherloc (09022015). Collection method: clinical testing. Allele origin: germline.
Comment: This sequence change falls in intron 28 of the PRPF8 gene. It does not directly change the encoded amino acid sequence of the PRPF8 protein. It affects a nucleotide within the consensus splice site. This variant is present in population databases (rs535981694, gnomAD 0.07%). This variant has not been reported in the literature in individuals affected with PRPF8-related conditions. ClinVar contains an entry for this variant (Variation ID: 1402877). Variants that disrupt the consensus splice site are a relatively common cause of aberrant splicing (PMID: 17576681, 9536098). Algorithms developed to predict the effect of sequence changes on RNA splicing suggest that this variant is not likely to affect RNA splicing. In summary, the available evidence is currently insufficient to determine the role of this variant in disease. Therefore, it has been classified as a Variant of Uncertain Significance.

Dr. Peter K. Rogan Lab, Western University
No classification provided (evidence only). Condition: Gastric cancer. Review status: no classification provided. Collection method: in vitro. Allele origin: not applicable. Functional consequence: retained intron. Not counted in ClinVar's aggregate classification.

Literature cited by the submitters: PubMed 17576681 (cited by Labcorp Genetics (formerly Invitae), Labcorp); PubMed 9536098 (cited by Labcorp Genetics (formerly Invitae), Labcorp).